The following is an entry in ClinVar:

ClinVar aggregate classification (germline): Pathogenic/Likely pathogenic. Review status: criteria provided, multiple submitters, no conflicts (2 of 4 stars). 2 submissions from 2 submitters: Pathogenic (1); Likely pathogenic (1). Last evaluated 2026-01-21.

Conditions:
Familial thoracic aortic aneurysm and aortic dissection (TAAD). Also called: Thoracic aortic aneurysms and dissections. Identifiers: Orphanet 91387, MedGen C4707243, MONDO:0019625.
Marfan syndrome (MFS). Also called: FBN1-Related Marfan Syndrome; Marfan syndrome type 1; Marfan's syndrome; Marfan syndrome, classic; MARFAN SYNDROME, TYPE I. Identifiers: Orphanet 284963, Orphanet 558, MedGen C0024796, MONDO:0007947, OMIM 154700.

Submissions (2):

Labcorp Genetics (formerly Invitae), Labcorp
Classification: Pathogenic for Marfan syndrome; Familial thoracic aortic aneurysm and aortic dissection. Last evaluated: 2026-01-21. Review status: criteria provided, single submitter. Criteria: Invitae Variant Classification Sherloc (09022015). Collection method: clinical testing. Allele origin: germline.
Comment: This sequence change replaces cysteine, which is neutral and slightly polar, with serine, which is neutral and polar, at codon 790 of the FBN1 protein (p.Cys790Ser). This variant is not present in population databases (gnomAD no frequency). This missense change has been observed in individual(s) with clinical features of Marfan syndrome (PMID: 22876116). It has also been observed to segregate with disease in related individuals. ClinVar contains an entry for this variant (Variation ID: 36047). Invitae Evidence Modeling of protein sequence and biophysical properties (such as structural, functional, and spatial information, amino acid conservation, physicochemical variation, residue mobility, and thermodynamic stability) indicates that this missense variant is expected to disrupt FBN1 protein function with a positive predictive value of 95%. This variant affects a cysteine residue in the EGF-like, TGFBP or hybrid motif domains of FBN1. Cysteine residues are believed to be involved in intramolecular disulfide bridges and have been shown to be important for FBN1 protein structure (PMID: 16905551, 19349279). In addition, missense substitutions affecting cysteine residues within these domains are significantly overrepresented among patients with Marfan syndrome (PMID: 16571647, 17701892). For these reasons, this variant has been classified as Pathogenic.

Women's Health and Genetics/Laboratory Corporation of America, LabCorp
Classification: Likely pathogenic for Marfan Syndrome. Last evaluated: 2011-08-18. Review status: criteria provided, single submitter. Criteria: LabCorp Variant Classification Summary - May 2015. Collection method: curation, clinical testing. Allele origin: germline. Inheritance: autosomal unknown. Affected: yes.
ClinVar note: Converted during submission from likely pathogenic to Likely pathogenic.

Literature cited by the submitters: PubMed 22876116 (cited by Labcorp Genetics (formerly Invitae), Labcorp); PubMed 16905551 (cited by Labcorp Genetics (formerly Invitae), Labcorp); PubMed 19349279 (cited by Labcorp Genetics (formerly Invitae), Labcorp); PubMed 16571647 (cited by Labcorp Genetics (formerly Invitae), Labcorp); PubMed 17701892 (cited by Labcorp Genetics (formerly Invitae), Labcorp).

NM_000138.5(FBN1):c.2369G>C (p.Cys790Ser)

Gene: FBN1 (fibrillin 1; minus strand). Cytogenetic location: 15q21.1.
Variant type: single nucleotide variant.
Coding change: c.2369G>C on transcript NM_000138.5 (MANE Select); coding-DNA position 2369, G replaced by C.
Protein change: p.Cys790Ser; replaces cysteine 790 with serine.
Molecular consequence: missense variant.
Genome position (GRCh38, 1-based): chr15:48,496,150, C>G on the plus strand (G>C on the coding strand, the complement: FBN1 is on the minus strand). VCF-style: chr15-48496150-C-G. GRCh37 (hg19) VCF-style: chr15-48788347-C-G.
Other names: short protein forms C790S.
Identifiers: ClinVar variation 36047 (VCV000036047.5), dbSNP rs193922188, ClinGen allele CA012976.